The following is an entry in ClinVar:

t(1;5)(q25;q12)

Gene: FAM163A (family with sequence similarity 163 member A; plus strand). Cytogenetic location: 1q25.2.
Variant type: Translocation.
Other names: 46,XX,t(1;5)(q25;q12).seq[GRCh37]t(1;5)(1pter->1q25.2(179,785,316)::TATTTAAGGAAG::5q13.1(66,878,645)->5qter;5pter->5q13.1(66,878,65{1-4})::1q25.2(179,785,30{6-9})->1qter).
Identifiers: ClinVar variation 810664 (VCV000810664.3).

ClinVar aggregate classification (germline): Uncertain significance (1 of 4 stars; one submission).

Conditions:
Endometriosis. Also called: Endometriosis (disease). Identifiers: MedGen C0014175, MeSH D004715, MONDO:0005133, HP:0030127.

Submission:

Genetics Laboratory, Instituto de Ciencias en Reproduccion Humana
Classification: Uncertain significance for Endometriosis. Last evaluated: 2019-10-30. Review status: criteria provided, single submitter. Criteria: ACMG Guidelines, 2015. Collection method: research. Allele origin: germline. Affected: yes. Observed: 1 variant allele, 1 heterozygote. Study: Developmental Genome Anatomy Project (DGAP).
Comment: Sequencing refines the karyotype to 46,XX,t(1;5)(q25.2;q13.1). The breakpoint at 1q25.2 is located in the 3' UTR in exon 6/6 of FAM163A (NM_001329713.1), +1,992 bp 3' to the stop codon. FAM163A is neither a disease associated gene nor ClinGen curated.